The following is an entry in ClinVar:

NM_021098.3(CACNA1H):c.4445G>A (p.Arg1482Gln)

Gene: CACNA1H (calcium voltage-gated channel subunit alpha1 H; plus strand). Cytogenetic location: 16p13.3.
Variant type: single nucleotide variant.
Coding change: c.4445G>A on transcript NM_021098.3 (MANE Select); coding-DNA position 4445, G replaced by A.
Protein change: p.Arg1482Gln; replaces arginine 1482 with glutamine.
Molecular consequence: missense variant.
Genome position (GRCh38, 1-based): chr16:1,211,575, G>A. VCF-style: chr16-1211575-G-A. GRCh37 (hg19) VCF-style: chr16-1261575-G-A.
Other names: c.4445G>A (NM_021098.2); c.4445G>A, p.Arg1482Gln (NM_001005407.2); short protein forms R1482Q.
Identifiers: ClinVar variation 1081830 (VCV001081830.10), dbSNP rs372132309, ClinGen allele CA7801335.

ClinVar aggregate classification (germline): Conflicting classifications of pathogenicity. Review status: criteria provided, conflicting classifications (1 of 4 stars). 2 submissions from 2 submitters: Uncertain significance (1); Likely benign (1). Last evaluated 2026-03-05.

Conditions:
Idiopathic generalized epilepsy. Also called: Generalised epilepsy; EIG. Identifiers: MedGen C0270850, MONDO:0005579, OMIM 600669.
Hyperaldosteronism, familial, type IV (HALD4). Also called: FH IV; ALDOSTERONISM, PRIMARY, AND HYPERTENSION. Identifiers: Orphanet 642671, MedGen C4310756, MONDO:0014875, OMIM 617027.

Allele frequency attached by ClinVar (database versions not stated): TOPMed 0.00012; 1000 Genomes Project 30x 0.00016; 1000 Genomes Project 0.00020; gnomAD exomes 0.00005 and 0.00019; gnomAD 0.00009 and 0.00010; ExAC 0.00011; ESP Exome Variant Server 0.00008.
gnomAD v4.1: 89 of 1,610,534 alleles (0.0055%); highest among the groups gnomAD compares: East Asian, 0.13%; no homozygotes.

Submissions (2):

GeneDx
Classification: Uncertain significance. Last evaluated: 2026-03-05. Review status: criteria provided, single submitter. Criteria: GeneDx Variant Classification Process June 2021. Collection method: clinical testing. Allele origin: germline.
Comment: Reported previously in the heterozygous state in a patient from a cohort of individuals with epilepsy and autism; In silico analysis supports that this missense variant has a deleterious effect on protein structure/function; In silico analysis is inconclusive as to whether the variant alters gene splicing. In the absence of RNA/functional studies, the actual effect of this sequence change is unknown.; This variant is associated with the following publications: (PMID: 31139143)

Labcorp Genetics (formerly Invitae), Labcorp
Classification: Likely benign for Idiopathic generalized epilepsy; Hyperaldosteronism, familial, type IV. Last evaluated: 2025-10-01. Review status: criteria provided, single submitter. Criteria: Invitae Variant Classification Sherloc (09022015). Collection method: clinical testing. Allele origin: germline.